The following is an entry in ClinVar:

ClinVar aggregate classification (germline): Uncertain significance (1 of 4 stars; one submission).

Conditions:
MHC class I deficiency. Identifiers: Orphanet 34592, MedGen C6024714, MONDO:0011476.

gnomAD v4.1: 2 of 1,613,368 alleles (0.00012%); highest among the groups gnomAD compares: Non-Finnish European, 0.00017%; no homozygotes.

Submission:

Labcorp Genetics (formerly Invitae), Labcorp
Classification: Uncertain significance for MHC class I deficiency 1. Last evaluated: 2025-10-30. Review status: criteria provided, single submitter. Criteria: Invitae Variant Classification Sherloc (09022015). Collection method: clinical testing. Allele origin: germline.
Comment: This sequence change replaces arginine, which is basic and polar, with tryptophan, which is neutral and slightly polar, at codon 117 of the TAPBP protein (p.Arg117Trp). This variant is not present in population databases (gnomAD no frequency). This variant has not been reported in the literature in individuals affected with TAPBP-related conditions. An algorithm developed to predict the effect of missense changes on protein structure and function (PolyPhen-2) suggests that this variant is likely to be disruptive. In summary, the available evidence is currently insufficient to determine the role of this variant in disease. Therefore, it has been classified as a Variant of Uncertain Significance.

NM_003190.5(TAPBP):c.349C>T (p.Arg117Trp)

Gene: TAPBP (TAP binding protein; minus strand). Cytogenetic location: 6p21.32.
Variant type: single nucleotide variant.
Coding change: c.349C>T on transcript NM_003190.5 (MANE Select); coding-DNA position 349, C replaced by T.
Protein change: p.Arg117Trp; replaces arginine 117 with tryptophan.
Molecular consequence: missense variant. On other transcripts: intron variant (1).
Genome position (GRCh38, 1-based): chr6:33,313,337, G>A on the plus strand (C>T on the coding strand, the complement: TAPBP is on the minus strand). VCF-style: chr6-33313337-G-A. GRCh37 (hg19) VCF-style: chr6-33281114-G-A.
Other names: c.349C>T, p.Arg117Trp (NM_001410875.1, NM_172208.3); c.208+357C>T (NM_172209.3); short protein forms R117W.
Identifiers: ClinVar variation 4704843 (VCV004704843.1).